The following is an entry in ClinVar:

ClinVar aggregate classification (germline): Benign/Likely benign. Review status: criteria provided, multiple submitters, no conflicts (2 of 4 stars). 2 submissions from 2 submitters: Benign (1); Likely benign (1). Last evaluated 2024-10-10.

Conditions:
Occult macular dystrophy (OCMD). Also called: OCCULT MACULAR DYSTROPHY, SUSCEPTIBILITY TO; OMD. Identifiers: Orphanet 247834, MedGen C3150833, MONDO:0013316, OMIM 613587, HP:0030636.

Allele frequency attached by ClinVar (database versions not stated): gnomAD exomes 0.00007 and 0.00028; gnomAD 0.00008 and 0.00017; ExAC 0.00022; 1000 Genomes Project 30x 0.00156; 1000 Genomes Project 0.00160.
gnomAD v4.1: 153 of 1,589,102 alleles (0.0096%); highest among the groups gnomAD compares: East Asian, 0.15%; 1 homozygote.

Submissions (2):

Blueprint Genetics
Classification: Likely benign. Last evaluated: 2024-10-10. Review status: criteria provided, single submitter. Criteria: ACMG Guidelines, 2015. Collection method: clinical testing. Allele origin: germline.

Illumina Laboratory Services, Illumina
Classification: Benign for Occult macular dystrophy. Last evaluated: 2018-01-13. Review status: criteria provided, single submitter. Criteria: ICSL Variant Classification Criteria 13 December 2019. Collection method: clinical testing. Allele origin: germline.
Comment: This variant was observed in the ICSL laboratory as part of a predisposition screen in an ostensibly healthy population. It had not been previously curated by ICSL or reported in the Human Gene Mutation Database (HGMD: prior to June 1st, 2018), and was therefore a candidate for classification through an automated scoring system. Utilizing variant allele frequency, disease prevalence and penetrance estimates, and inheritance mode, an automated score was calculated to assess if this variant is too frequent to cause the disease. Based on the score and internal cut-off values, a variant classified as benign is not then subjected to further curation. The score for this variant resulted in a classification of benign for this disease.

NM_178857.6(RP1L1):c.6431A>C (p.Glu2144Ala)

Gene: RP1L1 (RP1 like 1). Cytogenetic location: 8p23.1.
Variant type: single nucleotide variant.
Coding change: c.6431A>C on transcript NM_178857.6 (MANE Select); coding-DNA position 6431, A replaced by C.
Protein change: p.Glu2144Ala; replaces glutamic acid 2144 with alanine.
Molecular consequence: missense variant.
Genome position (GRCh38, 1-based): chr8:10,607,667, T>G on the plus strand (A>C on the coding strand, the complement: RP1L1 is on the minus strand). VCF-style: chr8-10607667-T-G. GRCh37 (hg19) VCF-style: chr8-10465177-T-G.
Other names: short protein forms E2144A.
Identifiers: ClinVar variation 910099 (VCV000910099.5), dbSNP rs369287525, ClinGen allele CA4623325.